The following is an entry in ClinVar:

ClinVar aggregate classification (germline): Benign (1 of 4 stars; one submission).

Conditions:
Leigh syndrome (NULS). Also called: Leigh's necrotizing encephalopathy; Leigh's disease; Leigh Syndrome (mtDNA deletion); Leigh Disease; Subacute necrotizing encephalopathy; Necrotizing encephalopathy infantile subacute of Leigh. Identifiers: Orphanet 506, MedGen C2931891, MONDO:0009723, OMIM 256000.

Submission:

Wong Mito Lab, Molecular and Human Genetics, Baylor College of Medicine
Classification: Benign for Leigh syndrome. Last evaluated: 2019-10-17. Review status: criteria provided, single submitter. Criteria: Modified ACMG Guidelines (Unpublished). Collection method: clinical testing. Allele origin: germline.
Comment: The NC_012920.1:m.13276A>G (YP_003024036.1:p.Met314Val) variant in MTND5 gene is interpretated to be a Benign variant based on the modified ACMG guidelines (unpublished). This variant meets the following evidence codes: BA1

NC_012920.1(MT-ND5):m.13276A>G

Gene: MT-ND5 (mitochondrially encoded NADH dehydrogenase 5; plus strand).
Variant type: single nucleotide variant.
Genome position: chrM-13276-A-G.
Identifiers: ClinVar variation 693540 (VCV000693540.1), dbSNP rs2853502, ClinGen allele CA337099661.